The following is an entry in ClinVar:

NM_000051.4(ATM):c.2941C>T (p.Arg981Cys)

Gene: ATM (ATM serine/threonine kinase; plus strand). Cytogenetic location: 11q22.3.
Variant type: single nucleotide variant.
Coding change: c.2941C>T on transcript NM_000051.4 (MANE Select); coding-DNA position 2941, C replaced by T.
Protein change: p.Arg981Cys; replaces arginine 981 with cysteine.
Molecular consequence: missense variant.
Genome position (GRCh38, 1-based): chr11:108,271,270, C>T. VCF-style: chr11-108271270-C-T. GRCh37 (hg19) VCF-style: chr11-108141997-C-T.
Other names: c.2941C>T, p.Arg981Cys (NM_001351834.2); short protein forms R981C.
Identifiers: ClinVar variation 135747 (VCV000135747.63), dbSNP rs587780619, ClinGen allele CA332327.

ClinVar aggregate classification (germline): Uncertain significance. Review status: criteria provided, multiple submitters, no conflicts (2 of 4 stars). 10 submissions from 10 submitters: Uncertain significance (9). 1 of the submissions does not count toward it. Last evaluated 2025-10-14.

Conditions:
Familial cancer of breast. Also called: Hereditary breast cancer; hereditary breast carcinoma; BREAST CANCER, FAMILIAL. Identifiers: Orphanet 227535, MedGen C0346153, MONDO:0016419, OMIM 114480. Disease mechanism: loss of function.
Ataxia-telangiectasia syndrome (AT). Also called: ATAXIA-TELANGIECTASIA, COMPLEMENTATION GROUP A; ATAXIA-TELANGIECTASIA, FRESNO VARIANT; Ataxia-telangiectasia; Ataxia-telangiectasia, complementation group D; AT, COMPLEMENTATION GROUP C; Ataxia-telangiectasia, complementation group E. Identifiers: Orphanet 100, MedGen C0004135, MONDO:0008840, OMIM 208900.
Hereditary cancer-predisposing syndrome. Also called: Tumor predisposition; Hereditary neoplastic syndrome; Hereditary Cancer Syndrome; Neoplastic Syndromes, Hereditary. Identifiers: Orphanet 140162, MedGen C0027672, MeSH D009386, MONDO:0015356.

Allele frequency attached by ClinVar (database versions not stated): gnomAD 0.00001; gnomAD exomes 0.00001 and 0.00002.
gnomAD v4.1: 20 of 1,610,588 alleles (0.0012%); highest among the groups gnomAD compares: Middle Eastern, 0.016%; no homozygotes.

Submissions (10):

Quest Diagnostics Nichols Institute San Juan Capistrano
Classification: Uncertain significance. Last evaluated: 2025-10-14. Review status: criteria provided, single submitter. Criteria: Quest Diagnostics criteria. Collection method: clinical testing. Allele origin: unknown.

Labcorp Genetics (formerly Invitae), Labcorp
Classification: Uncertain significance for Ataxia-telangiectasia syndrome. Last evaluated: 2024-10-23. Review status: criteria provided, single submitter. Criteria: Invitae Variant Classification Sherloc (09022015). Collection method: clinical testing. Allele origin: germline.
Comment: This sequence change replaces arginine, which is basic and polar, with cysteine, which is neutral and slightly polar, at codon 981 of the ATM protein (p.Arg981Cys). This variant is present in population databases (rs587780619, gnomAD 0.002%). This missense change has been observed in individual(s) with breast and/or ovarian cancer (PMID: 12810666, 19781682). ClinVar contains an entry for this variant (Variation ID: 135747). Invitae Evidence Modeling of protein sequence and biophysical properties (such as structural, functional, and spatial information, amino acid conservation, physicochemical variation, residue mobility, and thermodynamic stability) has been performed for this missense variant. However, the output from this modeling did not meet the statistical confidence thresholds required to predict the impact of this variant on ATM protein function. RNA analysis performed to evaluate the impact of this missense change on mRNA splicing indicates it does not significantly alter splicing (internal data). In summary, the available evidence is currently insufficient to determine the role of this variant in disease. Therefore, it has been classified as a Variant of Uncertain Significance.

Ambry Genetics
Classification: Uncertain significance for Hereditary cancer-predisposing syndrome. Last evaluated: 2024-03-27. Review status: criteria provided, single submitter. Criteria: Ambry Variant Classification Scheme 2023. Collection method: clinical testing. Allele origin: germline.
Comment: The p.R981C variant (also known as c.2941C>T), located in coding exon 19 of the ATM gene, results from a C to T substitution at nucleotide position 2941. The arginine at codon 981 is replaced by cysteine, an amino acid with highly dissimilar properties. This alteration was reported in pooled data in one breast cancer patient and zero controls, and was reported to have an Align-GVGD score of C65 (most likely deleterious); however, functional analyses are not available at this time (Tavtigian SV et al. Am. J. Hum. Genet. 2009 Oct; 85(4):427-46). Another study detected this alteration in 1/270 Austrian hereditary breast and/or ovarian cancer families (Thorstenson YR et al. Cancer Res., 2003 Jun;63:3325-33). This amino acid position is highly conserved in available vertebrate species. In addition, this alteration is predicted to be deleterious by in silico analysis. Based on the available evidence, the clinical significance of this alteration remains unclear.

Baylor Genetics
Classification: Uncertain significance for Familial cancer of breast. Last evaluated: 2023-12-11. Review status: criteria provided, single submitter. Criteria: ACMG Guidelines, 2015. Collection method: clinical testing. Allele origin: unknown.

Color Diagnostics, LLC DBA Color Health
Classification: Uncertain significance for Hereditary cancer-predisposing syndrome. Last evaluated: 2022-08-08. Review status: criteria provided, single submitter. Criteria: ACMG Guidelines, 2015. Collection method: clinical testing. Allele origin: germline.
Comment: This missense variant replaces arginine with cysteine at codon 981 of the ATM protein. Computational prediction suggests that this variant may have deleterious impact on protein structure and function (internally defined REVEL score threshold >= 0.7, PMID: 27666373). Splice site prediction tools suggest that this variant may not impact RNA splicing. To our knowledge, functional studies have not been performed for this variant. This variant has been reported in individuals with personal/family history of breast/ovarian cancer (PMID: 12810666, 19781682) and reported as associated with increased breast cancer risk (PMID: 20346647). However, in a large international case-control study, this variant was absent in 60466 breast cancer cases and reported in 2/53461 controls (PMID: 33471991). This variant has been identified in 4/250680 chromosomes in the general population by the Genome Aggregation Database (gnomAD). The available evidence is insufficient to determine the role of this variant in disease conclusively. Therefore, this variant is classified as a Variant of Uncertain Significance.

Sema4
Classification: Uncertain significance for Hereditary cancer-predisposing syndrome. Last evaluated: 2022-01-26. Review status: criteria provided, single submitter. Criteria: Sema4 Curation Guidelines. Collection method: curation. Allele origin: germline.
Comment: The ATM c.2941C>T (p.R981C) variant has been reported in heterozygosity in at least one individual with breast cancer (PMID: 19781682); however, it has also been reported in at least 2 control individuals (PMID: 33471991). It was observed in 1/18366 chromosomes in the East Asian subpopulation in the large and broad cohorts of the Genome Aggregation Database (PMID: 32461654). The variant has been reported in ClinVar (Variation ID: 135747). In silico tools suggest the impact of the variant on protein function is deleterious, though these predictions have not been confirmed by functional studies. The evidence is insufficient to meet ACMG/AMP criteria for classifying the variant as benign or pathogenic. Thus, the clinical significance of this variant is currently uncertain.

St. Jude Molecular Pathology, St. Jude Children's Research Hospital
Classification: Uncertain significance for Ataxia-telangiectasia syndrome. Last evaluated: 2021-11-17. Review status: criteria provided, single submitter. Criteria: St. Jude Assertion Criteria 2020. Collection method: clinical testing. Allele origin: germline.
Comment: The ATM c.2941C>T (p.Arg981Cys) missense change has a maximum subpopulation frequency of 0.0054% in gnomAD v2.1.1. This variant has been reported in individuals with hereditary breast and ovarian cancer (PMID: 12810666) and presumed sporadic breast cancer (PMID: 19781682). This variant is absent in a database of women older than 70 years of age who have never had cancer (FLOSSIES database). Six of seven in silico tools predict a deleterious effect of this variant on protein function (PP3), but to our knowledge these predictions have not been confirmed by functional assays. In summary, this variant meets criteria to be classified as of uncertain significance based on the ACMG/AMP criteria: PP3.

Fulgent Genetics
Classification: Uncertain significance for Familial cancer of breast; Ataxia-telangiectasia syndrome. Last evaluated: 2018-10-31. Review status: criteria provided, single submitter. Criteria: ACMG Guidelines, 2015. Collection method: clinical testing. Allele origin: unknown.

CeGaT Center for Human Genetics Tuebingen
Classification: Uncertain significance. Last evaluated: 2017-08-01. Review status: criteria provided, single submitter. Criteria: CeGaT Center For Human Genetics Tuebingen Variant Classification Criteria Version 2. Collection method: clinical testing. Allele origin: germline. Affected: yes. Observed: 1 variant allele.

Natera, Inc.
Classification: Uncertain significance for Ataxia-telangiectasia. Last evaluated: 2020-09-16. Review status: no assertion criteria provided. Collection method: clinical testing. Allele origin: germline. Not counted in ClinVar's aggregate classification.

Literature cited by the submitters: PubMed 12810666 (cited by 3 submitters); PubMed 19781682 (cited by 4 submitters); PubMed 20346647 (cited by Ambry Genetics and Color Diagnostics, LLC DBA Color Health); PubMed 33471991 (cited by Color Diagnostics, LLC DBA Color Health and Sema4).